The following is an entry in ClinVar:

NM_024334.3(TMEM43):c.662G>A (p.Arg221His)

Gene: TMEM43 (transmembrane protein 43; plus strand). Cytogenetic location: 3p25.1.
Variant type: single nucleotide variant.
Coding change: c.662G>A on transcript NM_024334.3 (MANE Select); coding-DNA position 662, G replaced by A.
Protein change: p.Arg221His; replaces arginine 221 with histidine.
Molecular consequence: missense variant.
Genome position (GRCh38, 1-based): chr3:14,134,848, G>A. VCF-style: chr3-14134848-G-A. GRCh37 (hg19) VCF-style: chr3-14176348-G-A.
Other names: short protein forms R221H.
Identifiers: ClinVar variation 1171340 (VCV001171340.9), dbSNP rs774735646, ClinGen allele CA054813.

ClinVar aggregate classification (germline): Uncertain significance. Review status: criteria provided, multiple submitters, no conflicts (2 of 4 stars). 3 submissions from 3 submitters: Uncertain significance (3). Last evaluated 2025-05-22.

Conditions:
Cardiomyopathy (CMYO). Also called: Cardiomyopathies. Identifiers: Orphanet 167848, MedGen C0878544, MONDO:0004994, HP:0001638. Inheritance: Various modes of inheritance.
Arrhythmogenic right ventricular dysplasia 5. Also called: Arrhythmogenic Right Ventricular Dysplasia/Cardiomyopathy 5; ARRHYTHMOGENIC RIGHT VENTRICULAR DYSPLASIA, FAMILIAL, 5. Identifiers: MedGen C1858379, MONDO:0011459, OMIM 604400.

Allele frequency attached by ClinVar (database versions not stated): gnomAD exomes below 0.00001 and 0.00001; ExAC 0.00001; gnomAD 0.00001; TOPMed 0.00001.

Submissions (3):

Labcorp Genetics (formerly Invitae), Labcorp
Classification: Uncertain significance for Arrhythmogenic right ventricular dysplasia 5. Last evaluated: 2025-05-22. Review status: criteria provided, single submitter. Criteria: Invitae Variant Classification Sherloc (09022015). Collection method: clinical testing. Allele origin: germline.
Comment: This sequence change replaces arginine, which is basic and polar, with histidine, which is basic and polar, at codon 221 of the TMEM43 protein (p.Arg221His). This variant is not present in population databases (gnomAD no frequency). This variant has not been reported in the literature in individuals affected with TMEM43-related conditions. ClinVar contains an entry for this variant (Variation ID: 1171340). Invitae Evidence Modeling of protein sequence and biophysical properties (such as structural, functional, and spatial information, amino acid conservation, physicochemical variation, residue mobility, and thermodynamic stability) indicates that this missense variant is not expected to disrupt TMEM43 protein function with a negative predictive value of 80%. In summary, the available evidence is currently insufficient to determine the role of this variant in disease. Therefore, it has been classified as a Variant of Uncertain Significance.

Color Diagnostics, LLC DBA Color Health
Classification: Uncertain significance for Cardiomyopathy. Last evaluated: 2024-03-06. Review status: criteria provided, single submitter. Criteria: ACMG Guidelines, 2015. Collection method: clinical testing. Allele origin: germline.
Comment: This missense variant replaces arginine with histidine at codon 221 of the TMEM43 protein. Computational prediction suggests that this variant may not impact protein structure and function (internally defined REVEL score threshold <= 0.5, PMID: 27666373). To our knowledge, functional studies have not been reported for this variant. This variant has not been reported in individuals affected with cardiovascular disorders in the literature. This variant has been identified in 1/251240 chromosomes in the general population by the Genome Aggregation Database (gnomAD). The available evidence is insufficient to determine the role of this variant in disease conclusively. Therefore, this variant is classified as a Variant of Uncertain Significance.

All of Us Research Program, National Institutes of Health
Classification: Uncertain significance for Arrhythmogenic right ventricular dysplasia 5. Last evaluated: 2023-10-02. Review status: criteria provided, single submitter. Criteria: ACMG Guidelines, 2015. Collection method: clinical testing. Allele origin: germline. Inheritance: Autosomal dominant inheritance. Observed: 1 variant allele, 1 heterozygote.
Comment: This missense variant replaces arginine with histidine at codon 221 of the TMEM43 protein. Computational prediction suggests that this variant may not impact protein structure and function (internally defined REVEL score threshold <= 0.5, PMID: 27666373). To our knowledge, functional studies have not been reported for this variant. This variant has not been reported in individuals affected with cardiovascular disorders in the literature. This variant has been identified in 1/251240 chromosomes in the general population by the Genome Aggregation Database (gnomAD). The available evidence is insufficient to determine the role of this variant in disease conclusively. Therefore, this variant is classified as a Variant of Uncertain Significance.

This study involves interpretation of variants in research participants for the purpose of population health screening. Participant phenotype was not available at the time of variant classification. Additional details can be found in publication PMID: 35346344, PMCID: PMC8962531